The following is an entry in ClinVar:

ClinVar aggregate classification (germline): Pathogenic. Review status: criteria provided, multiple submitters, no conflicts (2 of 4 stars). 4 submissions from 4 submitters: Pathogenic (4). Last evaluated 2026-09-03.

Conditions:
Familial cancer of breast. Also called: hereditary breast carcinoma; BREAST CANCER, FAMILIAL; Hereditary breast cancer. Identifiers: Orphanet 227535, MedGen C0346153, MONDO:0016419, OMIM 114480. Disease mechanism: loss of function.
Hereditary breast ovarian cancer syndrome. Also called: Breast and ovarian cancer; Hereditary breast and ovarian cancer syndrome (HBOC); BRCA1- and BRCA2-Associated Hereditary Breast and Ovarian Cancer; Hereditary breast and ovarian cancer syndrome; Hereditary breast and ovarian cancer; Hereditary breast and/or ovarian cancer syndrome. Identifiers: Orphanet 145, MedGen C0677776, MeSH D061325, MONDO:0003582. Disease mechanism: loss of function.
Hereditary cancer-predisposing syndrome. Also called: Neoplastic Syndromes, Hereditary; Hereditary Cancer Syndrome; Hereditary neoplastic syndrome; Tumor predisposition. Identifiers: Orphanet 140162, MedGen C0027672, MeSH D009386, MONDO:0015356.

Submissions (4):

Ambry Genetics
Classification: Pathogenic for Hereditary cancer-predisposing syndrome. Last evaluated: 2026-09-03. Review status: criteria provided, single submitter. Criteria: Ambry Variant Classification Scheme 2023. Collection method: clinical testing. Allele origin: germline.
Comment: The c.3001dupT pathogenic mutation, located in coding exon 10 of the BRCA2 gene, results from a duplication of T at nucleotide position 3001, causing a translational frameshift with a predicted alternate stop codon (p.S1001Ffs*8). This variant is considered to be rare based on population cohorts in the Genome Aggregation Database (gnomAD). This alteration is expected to result in loss of function by premature protein truncation or nonsense-mediated mRNA decay. As such, this alteration is interpreted as a disease-causing mutation.

Quest Diagnostics Nichols Institute San Juan Capistrano
Classification: Pathogenic. Last evaluated: 2024-10-15. Review status: criteria provided, single submitter. Criteria: Quest Diagnostics criteria. Collection method: clinical testing. Allele origin: unknown.
Comment: The BRCA2 c.3001dup (p.Ser1001Phefs*8) variant alters the translational reading frame of the BRCA2 mRNA and causes the premature termination of BRCA2 protein synthesis. This variant has been reported in the published literature in individuals with ovarian cancer (PMID: 37664050 (2023)) and an individual with a personal or family history of breast and/or ovarian cancer (PMID: 34413315 (2021)). This variant has not been reported in large, multi-ethnic general populations (Genome Aggregation Database). Based on the available information, this variant is classified as pathogenic.

Baylor Genetics
Classification: Pathogenic for Familial cancer of breast. Last evaluated: 2023-12-08. Review status: criteria provided, single submitter. Criteria: ACMG Guidelines, 2015. Collection method: clinical testing. Allele origin: unknown.

Labcorp Genetics (formerly Invitae), Labcorp
Classification: Pathogenic for Hereditary breast ovarian cancer syndrome. Last evaluated: 2023-08-07. Review status: criteria provided, single submitter. Criteria: Invitae Variant Classification Sherloc (09022015). Collection method: clinical testing. Allele origin: germline.
Comment: For these reasons, this variant has been classified as Pathogenic. ClinVar contains an entry for this variant (Variation ID: 572560). This variant is also known as c.2998_2999insT. This premature translational stop signal has been observed in individual(s) with BRCA2-related conditions (PMID: 34413315). This variant is not present in population databases (gnomAD no frequency). This sequence change creates a premature translational stop signal (p.Ser1001Phefs*8) in the BRCA2 gene. It is expected to result in an absent or disrupted protein product. Loss-of-function variants in BRCA2 are known to be pathogenic (PMID: 20104584).

Literature cited by the submitters: PubMed 34413315 (cited by Quest Diagnostics Nichols Institute San Juan Capistrano and Labcorp Genetics (formerly Invitae), Labcorp); PubMed 37664050 (cited by Quest Diagnostics Nichols Institute San Juan Capistrano); PubMed 20104584 (cited by Labcorp Genetics (formerly Invitae), Labcorp).

NM_000059.4(BRCA2):c.3001dup (p.Ser1001fs)

Gene: BRCA2 (BRCA2 DNA repair associated; plus strand). Cytogenetic location: 13q13.1.
Variant type: Duplication.
Coding change: c.3001dup on transcript NM_000059.4 (MANE Select); coding-DNA position 3001, one base duplicated (T; older notation c.3001dupT).
Protein change: p.Ser1001fs; shifts the reading frame from serine 1001.
Molecular consequence: frameshift variant.
Genome position (GRCh38, 1-based): chr13:32,337,356, T duplicated; the last of 3 consecutive T bases (chr13:32,337,354-32,337,356); duplicating any one gives the same sequence. VCF-style (leftmost placement, unchanged base first): chr13-32337353-A-AT. GRCh37 (hg19) VCF-style: chr13-32911490-A-AT.
Other names: c.3001dupT (NM_000059.3); c.3001dup (NM_000059.3); short protein forms S1001fs.
Identifiers: ClinVar variation 572560 (VCV000572560.10), dbSNP rs886037801, ClinGen allele CA891844449.